The following is an entry in ClinVar:

NM_016333.4(SRRM2):c.922dup (p.Ala308fs)

Gene: SRRM2 (serine/arginine repetitive matrix 2; plus strand). Cytogenetic location: 16p13.3.
Variant type: Duplication.
Coding change: c.922dup on transcript NM_016333.4 (MANE Select); coding-DNA position 922, one base duplicated (G; older notation c.922dupG).
Protein change: p.Ala308fs; shifts the reading frame from alanine 308.
Molecular consequence: frameshift variant.
Genome position (GRCh38, 1-based): chr16:2,760,389, G duplicated. VCF-style (leftmost placement, unchanged base first): chr16-2760388-T-TG. GRCh37 (hg19) VCF-style: chr16-2810389-T-TG.
Other names: short protein forms A308fs.
Identifiers: ClinVar variation 3449532 (VCV003449532.1).

ClinVar aggregate classification (germline): Pathogenic (1 of 4 stars; one submission).

Conditions:
Inborn genetic diseases. Identifiers: MedGen C0950123, MeSH D030342.

Submission:

Ambry Genetics
Classification: Pathogenic for Inborn genetic diseases. Last evaluated: 2024-10-09. Review status: criteria provided, single submitter. Criteria: Ambry Variant Classification Scheme 2023. Collection method: clinical testing. Allele origin: germline.
Comment: The c.922dupG (p.A308Gfs*5) alteration, located in exon 10 (coding exon 9) of the SRRM2 gene, consists of a duplication of G at position 922, causing a translational frameshift with a predicted alternate stop codon after 5 amino acids. This alteration is expected to result in loss of function by premature protein truncation or nonsense-mediated mRNA decay. This variant was not reported in population-based cohorts in the Genome Aggregation Database (gnomAD). Based on the available evidence, this alteration is classified as pathogenic.